The following is an entry in ClinVar:

ClinVar aggregate classification (germline): Uncertain significance (1 of 4 stars; one submission).

gnomAD v4.1: 1 of 1,613,932 alleles (0.000062%); highest among the groups gnomAD compares: Admixed American, 0.0017%; no homozygotes.

Submission:

Labcorp Genetics (formerly Invitae), Labcorp
Classification: Uncertain significance. Last evaluated: 2024-06-05. Review status: criteria provided, single submitter. Criteria: Invitae Variant Classification Sherloc (09022015). Collection method: clinical testing. Allele origin: germline.
Comment: This sequence change replaces aspartic acid, which is acidic and polar, with glutamic acid, which is acidic and polar, at codon 392 of the DCHS1 protein (p.Asp392Glu). This variant is present in population databases (rs777724702, gnomAD 0.006%). This variant has not been reported in the literature in individuals affected with DCHS1-related conditions. Advanced modeling of protein sequence and biophysical properties (such as structural, functional, and spatial information, amino acid conservation, physicochemical variation, residue mobility, and thermodynamic stability) performed at Invitae indicates that this missense variant is not expected to disrupt DCHS1 protein function with a negative predictive value of 80%. In summary, the available evidence is currently insufficient to determine the role of this variant in disease. Therefore, it has been classified as a Variant of Uncertain Significance.

NM_003737.4(DCHS1):c.1176C>G (p.Asp392Glu)

Gene: DCHS1 (dachsous cadherin-related 1; minus strand). Cytogenetic location: 11p15.4.
Variant type: single nucleotide variant.
Coding change: c.1176C>G on transcript NM_003737.4 (MANE Select); coding-DNA position 1176, C replaced by G.
Protein change: p.Asp392Glu; replaces aspartic acid 392 with glutamic acid.
Molecular consequence: missense variant.
Genome position (GRCh38, 1-based): chr11:6,640,438, G>C on the plus strand (C>G on the coding strand, the complement: DCHS1 is on the minus strand). VCF-style: chr11-6640438-G-C. GRCh37 (hg19) VCF-style: chr11-6661669-G-C.
Other names: short protein forms D392E.
Identifiers: ClinVar variation 3700652 (VCV003700652.2).